The following is an entry in ClinVar:

ClinVar aggregate classification (germline): Uncertain significance. Review status: reviewed by expert panel (3 of 4 stars). 4 submissions from 4 submitters: Uncertain significance (1). 3 of the submissions do not count toward it. Last evaluated 2024-07-17.

Conditions:
Hereditary thrombocytopenia and hematologic cancer predisposition syndrome. Identifiers: Orphanet 71290, MedGen CN281654, MONDO:0011071.
Inborn genetic diseases. Identifiers: MedGen C0950123, MeSH D030342.
Hereditary thrombocytopenia and hematological cancer predisposition syndrome associated with RUNX1. Also called: Familial Platelet Disorder with Propensity to Acute Myelogenous Leukemia; Familial thrombocytopenia with propensity to acute myelogenous leukemia; PLATELET DISORDER, ASPIRIN-LIKE; RUNX1 Familial Platelet Disorder with Associated Myeloid Malignancies. Identifiers: Orphanet 71290, MedGen C1832388, MeSH C563324, MONDO:0100083, OMIM 601399.

Allele frequency attached by ClinVar (database versions not stated): TOPMed below 0.00001.

Submissions (4):

ClinGen Myeloid Malignancy Variant Curation Expert Panel
Classification: Uncertain significance for Hereditary thrombocytopenia and hematologic cancer predisposition syndrome. Last evaluated: 2024-07-17. Review status: reviewed by expert panel. Criteria: ClinGen MyeloMalig ACMG Specifications v2. Collection method: curation. Allele origin: germline. Inheritance: Autosomal dominant inheritance.
Comment: NM_001754.5(RUNX1):c.455A>G (p.Lys152Arg) is a missense variant affecting one of the residues within the runt homology domain, but not a known hotspot residue (PM1_supporting). This variant has a REVEL score >0.88 (0.912) (PP3) and is completely absent from all population databases with at least 20x coverage for RUNX1 (PM2_supporting). In summary, the clinical significance of this variant is uncertain. ACMG/AMP criteria have been applied as specified by the Myeloid Malignancy Variant Curation Expert Panel for RUNX1: PP3, PM1_supporting, PM2_supporting.

Ambry Genetics
Classification: Uncertain significance for Inborn genetic diseases. Last evaluated: 2025-08-22. Review status: criteria provided, single submitter. Criteria: Ambry Variant Classification Scheme 2023. Collection method: clinical testing. Allele origin: germline. Not counted in ClinVar's aggregate classification.
Comment: The p.K152R variant (also known as c.455A>G), located in coding exon 4 of the RUNX1 gene, results from an A to G substitution at nucleotide position 455. The lysine at codon 152 is replaced by arginine, an amino acid with highly similar properties. This amino acid position is conserved. In addition, this alteration is predicted to be deleterious by in silico analysis. Based on the available evidence, the clinical significance of this variant remains unclear.

GeneDx
Classification: Uncertain significance. Last evaluated: 2024-02-12. Review status: criteria provided, single submitter. Criteria: GeneDx Variant Classification Process June 2021. Collection method: clinical testing. Allele origin: germline. Affected: yes. Not counted in ClinVar's aggregate classification.
Comment: Not observed at significant frequency in large population cohorts (gnomAD); In silico analysis supports that this missense variant has a deleterious effect on protein structure/function; Has not been previously published as pathogenic or benign to our knowledge

Labcorp Genetics (formerly Invitae), Labcorp
Classification: Uncertain significance for Hereditary thrombocytopenia and hematological cancer predisposition syndrome associated with RUNX1. Last evaluated: 2023-06-29. Review status: criteria provided, single submitter. Criteria: Invitae Variant Classification Sherloc (09022015). Collection method: clinical testing. Allele origin: germline. Not counted in ClinVar's aggregate classification.
Comment: Advanced modeling of protein sequence and biophysical properties (such as structural, functional, and spatial information, amino acid conservation, physicochemical variation, residue mobility, and thermodynamic stability) has been performed at Invitae for this missense variant, however the output from this modeling did not meet the statistical confidence thresholds required to predict the impact of this variant on RUNX1 protein function. In summary, the available evidence is currently insufficient to determine the role of this variant in disease. Therefore, it has been classified as a Variant of Uncertain Significance. This sequence change replaces lysine, which is basic and polar, with arginine, which is basic and polar, at codon 152 of the RUNX1 protein (p.Lys152Arg). ClinVar contains an entry for this variant (Variation ID: 1374525). This variant has not been reported in the literature in individuals affected with RUNX1-related conditions. This variant is not present in population databases (gnomAD no frequency).

NM_001754.5(RUNX1):c.455A>G (p.Lys152Arg)

Genes: RUNX1 (RUNX family transcription factor 1; minus strand), RUNX1-AS1 (RUNX1 antisense RNA 1; plus strand). Cytogenetic location: 21q22.12.
Variant type: single nucleotide variant.
Coding change: c.455A>G on transcript NM_001754.5 (MANE Select); coding-DNA position 455, A replaced by G.
Protein change: p.Lys152Arg; replaces lysine 152 with arginine.
Molecular consequence: missense variant.
Genome position (GRCh38, 1-based): chr21:34,880,610, T>C on the plus strand (A>G on the coding strand, the complement: RUNX1 is on the minus strand). VCF-style: chr21-34880610-T-C. GRCh37 (hg19) VCF-style: chr21-36252907-T-C.
Other names: NM_001754.5(RUNX1):c.455A>G; p.Lys152Arg; c.455A>G (NM_001754.4); c.374A>G, p.Lys125Arg (NM_001001890.3, NM_001122607.2); short protein forms K125R, K152R.
Identifiers: ClinVar variation 1374525 (VCV001374525.11), dbSNP rs913480708, ClinGen allele CA320637875.